The following is an entry in ClinVar:

NM_001378457.1(DMXL2):c.4982A>G (p.Asn1661Ser)

Gene: DMXL2 (Dmx like 2; minus strand). Cytogenetic location: 15q21.2.
Variant type: single nucleotide variant.
Coding change: c.4982A>G on transcript NM_001378457.1 (MANE Select); coding-DNA position 4982, A replaced by G.
Protein change: p.Asn1661Ser; replaces asparagine 1661 with serine.
Molecular consequence: missense variant. On other transcripts: non-coding transcript variant (2).
Genome position (GRCh38, 1-based): chr15:51,488,617, T>C on the plus strand (A>G on the coding strand, the complement: DMXL2 is on the minus strand). VCF-style: chr15-51488617-T-C. GRCh37 (hg19) VCF-style: chr15-51780814-T-C.
Other names: c.4982A>G, p.Asn1661Ser (NM_001174116.3, NM_001378458.1, NM_001378459.1 and 4 more transcripts); c.3074A>G, p.Asn1025Ser (NM_001174117.3); c.2963A>G, p.Asn988Ser (NM_001378460.1); c.4742A>G, p.Asn1581Ser (NM_001378464.1); short protein forms N1025S, N1581S, N1661S, N988S.
Identifiers: ClinVar variation 3779255 (VCV003779255.2).
Genomic context (GRCh38, chr15:51,488,617, plus strand): 5'-CCCCACACTACTGCTTTCTTCTTCATTGAAAGGTAGAATAGTGCAGCATCTAAGGCATCA[T>C]TGTTCCTTTGAAAAGAAGCTTTGGCAACCTAAATGATAAATAAAATATTAAATTCACAAT-3'
Protein context (NP_001365386.1, residues 1651-1671): KVAKASFQRN[Asn1661Ser]DALDAALFYL

ClinVar aggregate classification (germline): Uncertain significance. Review status: criteria provided, multiple submitters, no conflicts (2 of 4 stars). 2 submissions from 2 submitters: Uncertain significance (2). Last evaluated 2025-08-01.

Conditions:
Nonsyndromic genetic hearing loss. Also called: Non-syndromic genetic deafness; Nonsyndromic genetic deafness; Nonsyndromic hearing loss and deafness. Identifiers: Orphanet 87884, MedGen C5680182, MONDO:0019497.

gnomAD v4.1: 38 of 1,611,288 alleles (0.0024%); highest among the groups gnomAD compares: East Asian, 0.062%; no homozygotes.

Submissions (2):

Labcorp Genetics (formerly Invitae), Labcorp
Classification: Uncertain significance. Last evaluated: 2025-08-01. Review status: criteria provided, single submitter. Criteria: Invitae Variant Classification Sherloc (09022015). Collection method: clinical testing. Allele origin: germline.
Comment: This sequence change replaces asparagine, which is neutral and polar, with serine, which is neutral and polar, at codon 1661 of the DMXL2 protein (p.Asn1661Ser). This variant is present in population databases (rs554099901, gnomAD 0.06%). This variant has not been reported in the literature in individuals affected with DMXL2-related conditions. ClinVar contains an entry for this variant (Variation ID: 3779255). An algorithm developed to predict the effect of missense changes on protein structure and function outputs the following: PolyPhen-2: "Benign". The serine amino acid residue is found in multiple mammalian species, which suggests that this missense change does not adversely affect protein function. In summary, the available evidence is currently insufficient to determine the role of this variant in disease. Therefore, it has been classified as a Variant of Uncertain Significance.

Department of Pathology and Laboratory Medicine, Sinai Health System
Classification: Uncertain significance for nonsyndromic genetic hearing loss. Last evaluated: 2021-10-26. Review status: criteria provided, single submitter. Criteria: ACMG Guidelines, 2015. Collection method: research. Allele origin: germline.